The following is an entry in ClinVar:

ClinVar aggregate classification (germline): Pathogenic. Review status: criteria provided, multiple submitters, no conflicts (2 of 4 stars). 4 submissions from 4 submitters: Pathogenic (4). Last evaluated 2026-09-08.

Conditions:
Fabry disease. Also called: ANDERSON-FABRY DISEASE; CERAMIDE TRIHEXOSIDASE DEFICIENCY; GLA DEFICIENCY; HEREDITARY DYSTOPIC LIPIDOSIS; ALPHA-GALACTOSIDASE A DEFICIENCY; Ceramide trihexosidosis. Identifiers: Orphanet 324, MedGen C0002986, MONDO:0010526, OMIM 301500, HP:0001071. Disease mechanism: Fabry disease is due to inactivating mutations in the X-linked GLA gene resulting in deficiency of the enzyme Alpha Galactosidase-A., loss of function.

Submissions (4):

Genomenon, Inc
Classification: Pathogenic for Fabry disease. Last evaluated: 2026-09-08. Review status: criteria provided, single submitter. Criteria: Genomenon Sequence Variant Interpretation Standards - Updated. Collection method: curation. Allele origin: germline. Affected: yes.
Comment: GLA p.Lys127Ter (c.379A>T) is a nonsense variant that introduces a premature stop codon at amino acid position 127 and is predicted to result in a truncated or absent protein product. This variant has been observed in at least one proband with clinical features consistent with Fabry disease (PMID:37940383;16595074). Functional or patient cell studies have been reported (PMID:16595074). It is absent or not present at a significant frequency in gnomAD. In conclusion, we classify GLA p.Lys127Ter (c.379A>T) as a pathogenic variant.

Labcorp Genetics (formerly Invitae), Labcorp
Classification: Pathogenic for Fabry disease. Last evaluated: 2024-12-04. Review status: criteria provided, single submitter. Criteria: Invitae Variant Classification Sherloc (09022015). Collection method: clinical testing. Allele origin: germline.
Comment: This sequence change creates a premature translational stop signal (p.Lys127*) in the GLA gene. It is expected to result in an absent or disrupted protein product. Loss-of-function variants in GLA are known to be pathogenic (PMID: 10666480, 12175777). This variant is not present in population databases (gnomAD no frequency). This premature translational stop signal has been observed in individual(s) with Fabry disease (PMID: 16595074). ClinVar contains an entry for this variant (Variation ID: 1069600). For these reasons, this variant has been classified as Pathogenic.

Genome-Nilou Lab
Classification: Pathogenic for Fabry disease. Last evaluated: 2021-07-15. Review status: criteria provided, single submitter. Criteria: ACMG Guidelines, 2015. Collection method: clinical testing. Allele origin: germline. Affected: no.

Women's Health and Genetics/Laboratory Corporation of America, LabCorp
Classification: Pathogenic for Fabry disease. Last evaluated: 2021-05-04. Review status: criteria provided, single submitter. Criteria: LabCorp Variant Classification Summary - May 2015. Collection method: clinical testing. Allele origin: germline.
Comment: Variant summary: GLA c.379A>T (p.Lys127X) results in a premature termination codon, predicted to cause a truncation of the encoded protein or absence of the protein due to nonsense mediated decay, which are commonly known mechanisms for disease. Truncations downstream of this position have been classified as pathogenic by our laboratory (Example: c.485G>A p.Trp162X; c.658C>T p.Arg220X). The variant was absent in 183372 control chromosomes (gnomAD). c.379A>T has been reported in the literature in an individual affected with classic phenotype of Fabry Disease (Shabbeer_2006). Enzyme activity from a patient (with a Classic phenotype of Fabry disease) derived sample carrying the variant of interest show reduced activity (Shabbeer_2006). No clinical diagnostic laboratories have submitted clinical-significance assessments for this variant to ClinVar after 2014. Based on the evidence outlined above, the variant was classified as pathogenic.

Literature cited by the submitters: PubMed 37940383 (cited by Genomenon, Inc); PubMed 16595074 (cited by 3 submitters); PubMed 10666480 (cited by Labcorp Genetics (formerly Invitae), Labcorp); PubMed 12175777 (cited by Labcorp Genetics (formerly Invitae), Labcorp).

NM_000169.3(GLA):c.379A>T (p.Lys127Ter)

Genes: GLA (galactosidase alpha; minus strand), RPL36A-HNRNPH2 (RPL36A-HNRNPH2 readthrough; plus strand). Cytogenetic location: Xq22.1.
Variant type: single nucleotide variant.
Coding change: c.379A>T on transcript NM_000169.3 (MANE Select); coding-DNA position 379, A replaced by T.
Protein change: p.Lys127Ter; replaces lysine 127 with a stop codon.
Molecular consequence: nonsense. On other transcripts: non-coding transcript variant (3), intron variant (2).
Genome position (GRCh38, 1-based): chrX:101,401,800, T>A on the plus strand (A>T on the coding strand, the complement: GLA is on the minus strand). VCF-style: chrX-101401800-T-A. GRCh37 (hg19) VCF-style: chrX-100656788-T-A.
Other names: c.502A>T, p.Lys168Ter (NM_001406747.1, NM_001406749.1); c.379A>T, p.Lys127Ter (NM_001406748.1); c.300+6343T>A (NM_001199973.2); c.177+9978T>A (NM_001199974.2); short protein forms K127*, K168*.
Identifiers: ClinVar variation 1069600 (VCV001069600.14), dbSNP rs2147477845, ClinGen allele CA413930844.